The following is an entry in ClinVar:

ClinVar aggregate classification (germline): Pathogenic (1 of 4 stars; one submission).

Submission:

Labcorp Genetics (formerly Invitae), Labcorp
Classification: Pathogenic. Last evaluated: 2020-06-27. Review status: criteria provided, single submitter. Criteria: Invitae Variant Classification Sherloc (09022015). Collection method: clinical testing. Allele origin: germline.
Comment: This variant has not been reported in the literature in individuals with IFT43-related conditions. Loss-of-function variants in IFT43 are known to be pathogenic (PMID: 21378380, 28400947). For these reasons, this variant has been classified as Pathogenic. This sequence change creates a premature translational stop signal (p.Cys58*) in the IFT43 gene. It is expected to result in an absent or disrupted protein product. The frequency data for this variant in the population databases is not available, as this variant may be reported as separate entries in the ExAC database.

Literature cited by the submitters: PubMed 21378380; PubMed 28400947.

NM_001102564.3(IFT43):c.174_175delinsAT (p.Cys58_Arg59delinsTer)

Gene: IFT43 (intraflagellar transport 43; plus strand). Cytogenetic location: 14q24.3.
Variant type: Indel.
Coding change: c.174_175delinsAT on transcript NM_001102564.3 (MANE Select); coding-DNA positions 174 to 175, CC replaced by AT.
Protein change: p.Cys58_Arg59delinsTer.
Molecular consequence: nonsense. On other transcripts: non-coding transcript variant (2).
Genome position (GRCh38, 1-based): chr14:76,022,353-76,022,354, CC replaced by AT. VCF-style: chr14-76022353-CC-AT. GRCh37 (hg19) VCF-style: chr14-76488696-CC-AT.
Other names: c.174_175delinsAT, p.Cys58_Arg59delinsTer (NM_001255995.3, NM_052873.3).
Identifiers: ClinVar variation 1074375 (VCV001074375.7), dbSNP rs2139957076, ClinGen allele CA2499222740.